The following is an entry in ClinVar:

NM_000038.6(APC):c.1743+5C>T

Gene: APC (APC regulator of Wnt signaling pathway; plus strand). Cytogenetic location: 5q22.2.
Variant type: single nucleotide variant.
Coding change: c.1743+5C>T on transcript NM_000038.6 (MANE Select); 5 bases into the intron after coding-DNA position 1743, C replaced by T.
Molecular consequence: intron variant.
Genome position (GRCh38, 1-based): chr5:112,828,977, C>T. VCF-style: chr5-112828977-C-T. GRCh37 (hg19) VCF-style: chr5-112164674-C-T.
Other names: c.1743+5C>T (NM_001354895.2, NM_001127510.3); c.1773+5C>T (NM_001354897.2); c.1470+5C>T (NM_001354902.2); c.1689+5C>T (NM_001127511.3); c.1668+5C>T (NM_001354898.2); c.1365+5C>T (NM_001354904.2); c.894+5C>T (NM_001354906.2); c.1797+5C>T (NM_001354896.2); and 5 more.
Identifiers: ClinVar variation 230099 (VCV000230099.17), dbSNP rs876658386, ClinGen allele CA10578325.

ClinVar aggregate classification (germline): Conflicting classifications of pathogenicity. Review status: criteria provided, conflicting classifications (1 of 4 stars). 3 submissions from 3 submitters: Uncertain significance (1); Likely benign (2). Last evaluated 2026-01-18.

Conditions:
Hereditary cancer-predisposing syndrome. Also called: Hereditary neoplastic syndrome; Hereditary Cancer Syndrome; Neoplastic Syndromes, Hereditary; Tumor predisposition. Identifiers: Orphanet 140162, MedGen C0027672, MeSH D009386, MONDO:0015356.
Familial adenomatous polyposis 1 (FAP1). Also called: FAMILIAL ADENOMATOUS POLYPOSIS 1, ATTENUATED; POLYPOSIS, ADENOMATOUS INTESTINAL. Identifiers: MedGen C2713442, MONDO:0021056, OMIM 175100. Disease mechanism: loss of function.

Allele frequency attached by ClinVar (database versions not stated): gnomAD exomes below 0.00001; TOPMed below 0.00001; gnomAD 0.00001.
gnomAD v4.1: 4 of 1,592,368 alleles (0.00025%); highest among the groups gnomAD compares: Non-Finnish European, 0.00034%; no homozygotes.

Submissions (3):

Labcorp Genetics (formerly Invitae), Labcorp
Classification: Likely benign for Familial adenomatous polyposis 1. Last evaluated: 2026-01-18. Review status: criteria provided, single submitter. Criteria: Invitae Variant Classification Sherloc (09022015). Collection method: clinical testing. Allele origin: germline.

Ambry Genetics
Classification: Likely benign for Hereditary cancer-predisposing syndrome. Last evaluated: 2019-09-05. Review status: criteria provided, single submitter. Criteria: Ambry Variant Classification Scheme 2023. Collection method: clinical testing. Allele origin: germline.

GeneDx
Classification: Uncertain significance. Last evaluated: 2016-04-20. Review status: criteria provided, single submitter. Criteria: GeneDx Variant Classification (06012015). Collection method: clinical testing. Allele origin: germline. Affected: yes.
Comment: This variant is denoted APC c.1743+5C>T or IVS14+5C>T and consists of a C>T nucleotide substitution at the +5 position of intron 14 of the APC gene. This variant is not predicted to cause abnormal splicing; however, in the absence of RNA or functional studies, the actual effect of this variant is unknown. This variant has not, to our knowledge, been published in the literature as pathogenic or benign. APC c.1743+5C>T was not observed in approximately 6,500 individuals of European and African American ancestry in the NHLBI Exome Sequencing Project, suggesting it is not a common benign variant in these populations. The cytosine (C) nucleotide that is altered is conserved in mammals. Based on currently available information, it is unclear whether APC c.1743+5C>T is pathogenic or benign. We consider it to be a variant of uncertain significance.